The following is an entry in ClinVar:

NM_152564.5(VPS13B):c.2333+5G>A

Gene: VPS13B (vacuolar protein sorting 13 homolog B; plus strand). Cytogenetic location: 8q22.2.
Variant type: single nucleotide variant.
Coding change: c.2333+5G>A on transcript NM_152564.5 (MANE Select); 5 bases into the intron after coding-DNA position 2333, G replaced by A.
Molecular consequence: intron variant.
Genome position (GRCh38, 1-based): chr8:99,170,168, G>A. VCF-style: chr8-99170168-G-A. GRCh37 (hg19) VCF-style: chr8-100182396-G-A.
Other names: c.2333+5G>A (NM_017890.5, NM_015243.3).
Identifiers: ClinVar variation 859105 (VCV000859105.5), dbSNP rs369096824, ClinGen allele CA4822872.

ClinVar aggregate classification (germline): Uncertain significance. Review status: criteria provided, single submitter (1 of 4 stars). 2 submissions from 2 submitters: Uncertain significance (1). 1 of the submissions does not count toward it. Last evaluated 2022-07-26.

Conditions:
Cohen syndrome (COH1). Also called: PEPPER SYNDROME; Cutis verticis gyrata, retinitis pigmentosa, and sensorineural deafness. Identifiers: Orphanet 193, MedGen C0265223, MONDO:0008999, OMIM 216550.

Allele frequency attached by ClinVar (database versions not stated): gnomAD 0.00001 and 0.00002; TOPMed 0.00002; ExAC 0.00004; gnomAD exomes 0.00004; ESP Exome Variant Server 0.00008.
gnomAD v4.1: 38 of 1,612,098 alleles (0.0024%); highest among the groups gnomAD compares: South Asian, 0.031%; no homozygotes.

Submissions (2):

Labcorp Genetics (formerly Invitae), Labcorp
Classification: Uncertain significance for Cohen syndrome. Last evaluated: 2022-07-26. Review status: criteria provided, single submitter. Criteria: Invitae Variant Classification Sherloc (09022015). Collection method: clinical testing. Allele origin: germline.
Comment: This sequence change falls in intron 16 of the VPS13B gene. It does not directly change the encoded amino acid sequence of the VPS13B protein. It affects a nucleotide within the consensus splice site. This variant is present in population databases (rs369096824, gnomAD 0.02%). This variant has not been reported in the literature in individuals affected with VPS13B-related conditions. ClinVar contains an entry for this variant (Variation ID: 859105). Variants that disrupt the consensus splice site are a relatively common cause of aberrant splicing (PMID: 17576681, 9536098). Algorithms developed to predict the effect of sequence changes on RNA splicing suggest that this variant is not likely to affect RNA splicing. In summary, the available evidence is currently insufficient to determine the role of this variant in disease. Therefore, it has been classified as a Variant of Uncertain Significance.

Natera, Inc.
Classification: Uncertain significance for Cohen syndrome. Last evaluated: 2020-03-11. Review status: no assertion criteria provided. Collection method: clinical testing. Allele origin: germline. Not counted in ClinVar's aggregate classification.

Literature cited by the submitters: PubMed 17576681 (cited by Labcorp Genetics (formerly Invitae), Labcorp); PubMed 9536098 (cited by Labcorp Genetics (formerly Invitae), Labcorp).